The following is an entry in ClinVar:

NM_015978.3(TNNI3K):c.543+6T>A

Genes: FPGT-TNNI3K (FPGT-TNNI3K readthrough; plus strand), TNNI3K (TNNI3 interacting kinase; plus strand). Cytogenetic location: 1p31.1.
Variant type: single nucleotide variant.
Coding change: c.543+6T>A on transcript NM_015978.3 (MANE Select); 6 bases into the intron after coding-DNA position 543, T replaced by A.
Molecular consequence: intron variant.
Genome position (GRCh38, 1-based): chr1:74,331,554, T>A. VCF-style: chr1-74331554-T-A. GRCh37 (hg19) VCF-style: chr1-74797238-T-A.
Other names: c.846+6T>A (NM_001112808.3, NM_001199327.2).
Identifiers: ClinVar variation 2839877 (VCV002839877.3), dbSNP rs1455514716, ClinGen allele CA1176114282.

ClinVar aggregate classification (germline): Uncertain significance (1 of 4 stars; one submission).

Allele frequency attached by ClinVar (database versions not stated): gnomAD exomes below 0.00001.
gnomAD v4.1: 1 of 1,607,658 alleles (0.000062%); highest among the groups gnomAD compares: Non-Finnish European, 0.000085%; no homozygotes.

Submission:

Labcorp Genetics (formerly Invitae), Labcorp
Classification: Uncertain significance. Last evaluated: 2023-02-22. Review status: criteria provided, single submitter. Criteria: Invitae Variant Classification Sherloc (09022015). Collection method: clinical testing. Allele origin: germline.
Comment: This sequence change falls in intron 6 of the TNNI3K gene. It does not directly change the encoded amino acid sequence of the TNNI3K protein. It affects a nucleotide within the consensus splice site. This variant is not present in population databases (gnomAD no frequency). This variant has not been reported in the literature in individuals affected with TNNI3K-related conditions. Variants that disrupt the consensus splice site are a relatively common cause of aberrant splicing (PMID: 17576681, 9536098). Algorithms developed to predict the effect of sequence changes on RNA splicing suggest that this variant is not likely to affect RNA splicing. In summary, the available evidence is currently insufficient to determine the role of this variant in disease. Therefore, it has been classified as a Variant of Uncertain Significance.

Literature cited by the submitters: PubMed 17576681; PubMed 9536098.